The following is an entry in ClinVar:

NM_002485.5(NBN):c.1530G>C (p.Glu510Asp)

Gene: NBN (nibrin; minus strand). Cytogenetic location: 8q21.3.
Variant type: single nucleotide variant.
Coding change: c.1530G>C on transcript NM_002485.5 (MANE Select); coding-DNA position 1530, G replaced by C.
Protein change: p.Glu510Asp; replaces glutamic acid 510 with aspartic acid.
Molecular consequence: missense variant.
Genome position (GRCh38, 1-based): chr8:89,953,559, C>G on the plus strand (G>C on the coding strand, the complement: NBN is on the minus strand). VCF-style: chr8-89953559-C-G. GRCh37 (hg19) VCF-style: chr8-90965787-C-G.
Other names: c.1284G>C, p.Glu428Asp (NM_001024688.3); short protein forms E510D, E428D.
Identifiers: ClinVar variation 530768 (VCV000530768.22), dbSNP rs1283330641, ClinGen allele CA371655659.
Genomic context (GRCh38, chr8:89,953,559, plus strand): 5'-AGATTTTAAATCTGTATCTGTAAATAAGTTATTGTCTGAGTTTGTGTCCACAGGCTCATT[C>G]TCAGATAGATGCTGCTCCTTATTTTTCCACAATGAGGGTGTAGCAGGTTGTGTTTGTTCT-3'
Protein context (NP_002476.2, residues 500-520): LWKNKEQHLS[Glu510Asp]NEPVDTNSDN

ClinVar aggregate classification (germline): Uncertain significance. Review status: criteria provided, multiple submitters, no conflicts (2 of 4 stars). 4 submissions from 4 submitters: Uncertain significance (4). Last evaluated 2025-12-15.

Conditions:
Microcephaly, normal intelligence and immunodeficiency (NBS). Also called: Immunodeficiency, microcephaly with normal intelligence; Ataxia telangiectasia variant V1; IMMUNODEFICIENCY, MICROCEPHALY, AND CHROMOSOMAL INSTABILITY; BERLIN BREAKAGE SYNDROME; SEEMANOVA SYNDROME II; Nijmegen breakage syndrome. Identifiers: Orphanet 647, MedGen C0398791, MONDO:0009623, OMIM 251260.
Breast cancer, susceptibility to. Identifiers: MedGen C3469522. Disease mechanism: gain of function.
Hereditary cancer-predisposing syndrome. Also called: Neoplastic Syndromes, Hereditary; Hereditary neoplastic syndrome; Tumor predisposition; Hereditary Cancer Syndrome. Identifiers: Orphanet 140162, MedGen C0027672, MeSH D009386, MONDO:0015356.

Allele frequency attached by ClinVar (database versions not stated): TOPMed below 0.00001.

Submissions (4):

Labcorp Genetics (formerly Invitae), Labcorp
Classification: Uncertain significance for Microcephaly, normal intelligence and immunodeficiency. Last evaluated: 2025-12-15. Review status: criteria provided, single submitter. Criteria: Invitae Variant Classification Sherloc (09022015). Collection method: clinical testing. Allele origin: germline.
Comment: This sequence change replaces glutamic acid, which is acidic and polar, with aspartic acid, which is acidic and polar, at codon 510 of the NBN protein (p.Glu510Asp). This variant is not present in population databases (gnomAD no frequency). This variant has not been reported in the literature in individuals affected with NBN-related conditions. ClinVar contains an entry for this variant (Variation ID: 530768). An algorithm developed to predict the effect of missense changes on protein structure and function (PolyPhen-2) suggests that this variant is likely to be tolerated. In summary, the available evidence is currently insufficient to determine the role of this variant in disease. Therefore, it has been classified as a Variant of Uncertain Significance.

Ambry Genetics
Classification: Uncertain significance for Hereditary cancer-predisposing syndrome. Last evaluated: 2025-02-16. Review status: criteria provided, single submitter. Criteria: Ambry Variant Classification Scheme 2023. Collection method: clinical testing. Allele origin: germline.
Comment: The p.E510D variant (also known as c.1530G>C), located in coding exon 11 of the NBN gene, results from a G to C substitution at nucleotide position 1530. The glutamic acid at codon 510 is replaced by aspartic acid, an amino acid with highly similar properties. This amino acid position is poorly conserved in available vertebrate species. In addition, this alteration is predicted to be tolerated by in silico analysis. Since supporting evidence is limited at this time, the clinical significance of this alteration remains unclear.

GeneDx
Classification: Uncertain significance. Last evaluated: 2022-02-18. Review status: criteria provided, single submitter. Criteria: GeneDx Variant Classification Process June 2021. Collection method: clinical testing. Allele origin: germline. Affected: yes.
Comment: Not observed at significant frequency in large population cohorts (gnomAD); In silico analysis supports that this missense variant does not alter protein structure/function; Has not been previously published as pathogenic or benign to our knowledge

Genome-Nilou Lab
Classification: Uncertain significance for Microcephaly, normal intelligence and immunodeficiency. Last evaluated: 2021-11-07. Review status: criteria provided, single submitter. Criteria: ACMG Guidelines, 2015. Collection method: clinical testing. Allele origin: germline. Affected: no.